The following is an entry in ClinVar:

NM_001009944.3(PKD1):c.8015T>G (p.Met2672Arg)

Gene: PKD1 (polycystin 1, transient receptor potential channel interacting; minus strand). Cytogenetic location: 16p13.3.
Variant type: single nucleotide variant.
Coding change: c.8015T>G on transcript NM_001009944.3 (MANE Select); coding-DNA position 8015, T replaced by G.
Protein change: p.Met2672Arg; replaces methionine 2672 with arginine.
Molecular consequence: missense variant.
Genome position (GRCh38, 1-based): chr16:2,105,323, A>C on the plus strand (T>G on the coding strand, the complement: PKD1 is on the minus strand). VCF-style: chr16-2105323-A-C. GRCh37 (hg19) VCF-style: chr16-2155324-A-C.
Other names: c.8015T>G, p.Met2672Arg (NM_000296.4); short protein forms M2672R.
Identifiers: ClinVar variation 2646001 (VCV002646001.24), dbSNP rs769848003, ClinGen allele CA394365798.

ClinVar aggregate classification (germline): Uncertain significance (1 of 4 stars; one submission).

Allele frequency attached by ClinVar (database versions not stated): gnomAD 0.00001.
gnomAD v4.1: 1 of 1,594,120 alleles (0.000063%); no homozygotes.

Submission:

CeGaT Center for Human Genetics Tuebingen
Classification: Uncertain significance. Last evaluated: 2022-12-01. Review status: criteria provided, single submitter. Criteria: CeGaT Center For Human Genetics Tuebingen Variant Classification Criteria Version 2. Collection method: clinical testing. Allele origin: germline. Affected: yes. Observed: 1 variant allele.
Comment: PKD1: PM2, BP4